The following is an entry in ClinVar:

ClinVar aggregate classification (germline): Uncertain significance. Review status: criteria provided, multiple submitters, no conflicts (2 of 4 stars). 5 submissions from 5 submitters: Uncertain significance (5). Last evaluated 2026-07-01.

Conditions:
Cardiovascular phenotype. Identifiers: MedGen CN230736.
Catecholaminergic polymorphic ventricular tachycardia (CVPT). Also called: Catecholamine-induced polymorphic ventricular tachycardia. Identifiers: Orphanet 3286, MedGen C5574922, MONDO:0017990.
Cardiomyopathy (CMYO). Also called: Cardiomyopathies. Identifiers: Orphanet 167848, MedGen C0878544, MONDO:0004994, HP:0001638. Inheritance: Various modes of inheritance.
Catecholaminergic polymorphic ventricular tachycardia 1. Also called: RYR2-Related Catecholaminergic Polymorphic Ventricular Tachycardia; VENTRICULAR TACHYCARDIA, STRESS-INDUCED POLYMORPHIC 1; VENTRICULAR TACHYCARDIA, CATECHOLAMINERGIC POLYMORPHIC, 1, WITH OR WITHOUT ATRIAL DYSFUNCTION AND/OR DILATED CARDIOMYOPATHY. Identifiers: Orphanet 3286, MedGen C1631597, MONDO:0011484, OMIM 604772.

Allele frequency attached by ClinVar (database versions not stated): gnomAD 0.00001; ExAC 0.00005; TOPMed 0.00001; gnomAD exomes 0.00002; ESP Exome Variant Server 0.00012.
gnomAD v4.1: 20 of 1,414,168 alleles (0.0014%); highest among the groups gnomAD compares: Non-Finnish European, 0.0019%; no homozygotes.

Submissions (5):

Ambry Genetics
Classification: Uncertain significance for Cardiovascular phenotype. Last evaluated: 2026-07-01. Review status: criteria provided, single submitter. Criteria: Ambry Variant Classification Scheme 2023. Collection method: clinical testing. Allele origin: germline.
Comment: The p.Q2812E variant (also known as c.8434C>G), located in coding exon 56 of the RYR2 gene, results from a C to G substitution at nucleotide position 8434. The glutamine at codon 2812 is replaced by glutamic acid, an amino acid with highly similar properties. This amino acid position is conserved. In addition, the in silico prediction for this alteration is inconclusive. Based on the available evidence, the clinical significance of this variant remains unclear.

Labcorp Genetics (formerly Invitae), Labcorp
Classification: Uncertain significance for Catecholaminergic polymorphic ventricular tachycardia 1. Last evaluated: 2025-11-13. Review status: criteria provided, single submitter. Criteria: Invitae Variant Classification Sherloc (09022015). Collection method: clinical testing. Allele origin: germline.
Comment: This sequence change replaces glutamine, which is neutral and polar, with glutamic acid, which is acidic and polar, at codon 2812 of the RYR2 protein (p.Gln2812Glu). This variant is present in population databases (rs377285717, gnomAD 0.005%). This variant has not been reported in the literature in individuals affected with RYR2-related conditions. ClinVar contains an entry for this variant (Variation ID: 1362335). An algorithm developed to predict the effect of missense changes on protein structure and function (PolyPhen-2) suggests that this variant is likely to be disruptive. In summary, the available evidence is currently insufficient to determine the role of this variant in disease. Therefore, it has been classified as a Variant of Uncertain Significance.

All of Us Research Program, National Institutes of Health
Classification: Uncertain significance for Catecholaminergic polymorphic ventricular tachycardia. Last evaluated: 2024-08-13. Review status: criteria provided, single submitter. Criteria: ACMG Guidelines, 2015. Collection method: clinical testing. Allele origin: germline. Inheritance: Autosomal dominant inheritance. Observed: 2 variant alleles, 2 heterozygotes.
Comment: This missense variant replaces glutamine with glutamic acid at codon 2812 of the RYR2 protein. Computational prediction is inconclusive regarding the impact of this variant on protein structure and function (internally defined REVEL score threshold 0.5 < inconclusive < 0.7, PMID: 27666373). To our knowledge, functional studies have not been reported for this variant. This variant has not been reported in individuals affected with RYR2-related disorders in the literature. This variant has been identified in 2/107140 chromosomes in the general population by the Genome Aggregation Database (gnomAD). The available evidence is insufficient to determine the role of this variant in disease conclusively. Therefore, this variant is classified as a Variant of Uncertain Significance.

This study involves interpretation of variants in research participants for the purpose of population health screening. Participant phenotype was not available at the time of variant classification. Additional details can be found in publication PMID: 35346344, PMCID: PMC8962531

Color Diagnostics, LLC DBA Color Health
Classification: Uncertain significance for Cardiomyopathy. Last evaluated: 2024-07-23. Review status: criteria provided, single submitter. Criteria: ACMG Guidelines, 2015. Collection method: clinical testing. Allele origin: germline.
Comment: This missense variant replaces glutamine with glutamic acid at codon 2812 of the RYR2 protein. Computational prediction is inconclusive regarding the impact of this variant on protein structure and function. To our knowledge, functional studies have not been reported for this variant. This variant has not been reported in individuals affected with RYR2-related disorders in the literature. This variant has been identified in 2/107140 chromosomes in the general population by the Genome Aggregation Database (gnomAD). The available evidence is insufficient to determine the role of this variant in disease conclusively. Therefore, this variant is classified as a Variant of Uncertain Significance.

Pittsburgh Clinical Genomics Laboratory, University of Pittsburgh Medical Center
Classification: Uncertain significance for Catecholaminergic polymorphic ventricular tachycardia 1. Last evaluated: 2023-12-27. Review status: criteria provided, single submitter. Criteria: ACMG Guidelines, 2015. Collection method: clinical testing. Allele origin: germline. Inheritance: Autosomal dominant inheritance. Affected: yes.
Comment: This sequence variant is a single nucleotide substitution (C>G) at position 8434 of the coding sequence of the RYR2 gene that results in a glutamine to glutamic acid amino acid change at residue 2812 of the ryanodine receptor 2 protein. This residue falls in the fourth of 4 RyR repeat domains (UniProt). This is a previously reported variant (ClinVar 1362335) that has not been observed in the literature in individuals affected by RYR2-related disease, to our knowledge. This variant is present in 20 of 1414168 alleles (0.001414%) in the gnomAD v4.0.0 population dataset. Multiple bioinformatic tools predict that this glutamine to glutamic acid amino acid change would be damaging, and the Gln2812 residue at this position is highly conserved across the vertebrate species examined. Studies examining the functional consequence of this variant have not been performed, to our knowledge. At this time, there is insufficient evidence to determine if this variant is pathogenic or benign. Therefore, we consider this a variant of uncertain significance. ACMG Criteria: PM2, PP3

NM_001035.3(RYR2):c.8434C>G (p.Gln2812Glu)

Gene: RYR2 (ryanodine receptor 2; plus strand). Cytogenetic location: 1q43.
Variant type: single nucleotide variant.
Coding change: c.8434C>G on transcript NM_001035.3 (MANE Select); coding-DNA position 8434, C replaced by G.
Protein change: p.Gln2812Glu; replaces glutamine 2812 with glutamic acid.
Molecular consequence: missense variant.
Genome position (GRCh38, 1-based): chr1:237,660,945, C>G. VCF-style: chr1-237660945-C-G. GRCh37 (hg19) VCF-style: chr1-237824245-C-G.
Other names: c.8434C>G (NM_001035.2); short protein forms Q2812E.
Identifiers: ClinVar variation 1362335 (VCV001362335.12), dbSNP rs377285717, ClinGen allele CA087616.
Genomic context (GRCh38, chr1:237,660,945, plus strand): 5'-ACTCGGGAGGGAGACAGCATGGCCCTTTACAACCGGACTCGTCGTATTTCTCAGACAAGC[C>G]AGGTAAGAATTCATCACGGTGATGAATCAACTGTTTATGTTATGGATTAAATAATTTTTT-3'
Protein context (NP_001026.2, residues 2802-2822): NRTRRISQTS[Gln2812Glu]VSVDAAHGYS